The following is an entry in ClinVar:

ClinVar aggregate classification (germline): Uncertain significance (1 of 4 stars; one submission).

Conditions:
Dyskeratosis congenita. Identifiers: Orphanet 1775, MedGen C0265965, MONDO:0015780.

gnomAD v4.1: 2 of 1,612,988 alleles (0.00012%); highest among the groups gnomAD compares: Non-Finnish European, 0.00017%; no homozygotes.

Submission:

Labcorp Genetics (formerly Invitae), Labcorp
Classification: Uncertain significance for Dyskeratosis congenita. Last evaluated: 2024-10-09. Review status: criteria provided, single submitter. Criteria: Invitae Variant Classification Sherloc (09022015). Collection method: clinical testing. Allele origin: germline.
Comment: This sequence change replaces glycine, which is neutral and non-polar, with valine, which is neutral and non-polar, at codon 8 of the TINF2 protein (p.Gly8Val). This variant is not present in population databases (gnomAD no frequency). This variant has not been reported in the literature in individuals affected with TINF2-related conditions. An algorithm developed to predict the effect of missense changes on protein structure and function (PolyPhen-2) suggests that this variant is likely to be disruptive. In summary, the available evidence is currently insufficient to determine the role of this variant in disease. Therefore, it has been classified as a Variant of Uncertain Significance.

NM_001099274.3(TINF2):c.23G>T (p.Gly8Val)

Gene: TINF2 (TERF1 interacting nuclear factor 2; minus strand). Cytogenetic location: 14q12.
Variant type: single nucleotide variant.
Coding change: c.23G>T on transcript NM_001099274.3 (MANE Select); coding-DNA position 23, G replaced by T.
Protein change: p.Gly8Val; replaces glycine 8 with valine.
Molecular consequence: missense variant.
Genome position (GRCh38, 1-based): chr14:24,242,310, C>A on the plus strand (G>T on the coding strand, the complement: TINF2 is on the minus strand). VCF-style: chr14-24242310-C-A. GRCh37 (hg19) VCF-style: chr14-24711516-C-A.
Other names: c.23G>T, p.Gly8Val (NM_001363668.2, NM_012461.3); short protein forms G8V.
Identifiers: ClinVar variation 3727497 (VCV003727497.2).